The following is an entry in ClinVar:

NM_001035.3(RYR2):c.5944G>C (p.Asp1982His)

Gene: RYR2 (ryanodine receptor 2; plus strand). Cytogenetic location: 1q43.
Variant type: single nucleotide variant.
Coding change: c.5944G>C on transcript NM_001035.3 (MANE Select); coding-DNA position 5944, G replaced by C.
Protein change: p.Asp1982His; replaces aspartic acid 1982 with histidine.
Molecular consequence: missense variant.
Genome position (GRCh38, 1-based): chr1:237,623,792, G>C. VCF-style: chr1-237623792-G-C. GRCh37 (hg19) VCF-style: chr1-237787092-G-C.
Other names: short protein forms D1982H.
Identifiers: ClinVar variation 2738573 (VCV002738573.3), dbSNP rs770501445, ClinGen allele CA087009.

ClinVar aggregate classification (germline): Uncertain significance (1 of 4 stars; one submission).

Conditions:
Catecholaminergic polymorphic ventricular tachycardia 1. Also called: VENTRICULAR TACHYCARDIA, CATECHOLAMINERGIC POLYMORPHIC, 1, WITH OR WITHOUT ATRIAL DYSFUNCTION AND/OR DILATED CARDIOMYOPATHY; RYR2-Related Catecholaminergic Polymorphic Ventricular Tachycardia; VENTRICULAR TACHYCARDIA, STRESS-INDUCED POLYMORPHIC 1. Identifiers: Orphanet 3286, MedGen C1631597, MONDO:0011484, OMIM 604772.

Allele frequency attached by ClinVar (database versions not stated): gnomAD exomes below 0.00001; ExAC 0.00001.
gnomAD v4.1: 1 of 1,612,130 alleles (0.000062%); highest among the groups gnomAD compares: Admixed American, 0.0017%; no homozygotes.

Submission:

Labcorp Genetics (formerly Invitae), Labcorp
Classification: Uncertain significance for Catecholaminergic polymorphic ventricular tachycardia 1. Last evaluated: 2025-01-06. Review status: criteria provided, single submitter. Criteria: Invitae Variant Classification Sherloc (09022015). Collection method: clinical testing. Allele origin: germline.
Comment: This sequence change replaces aspartic acid, which is acidic and polar, with histidine, which is basic and polar, at codon 1982 of the RYR2 protein (p.Asp1982His). This variant is present in population databases (rs770501445, gnomAD 0.003%). This variant has not been reported in the literature in individuals affected with RYR2-related conditions. ClinVar contains an entry for this variant (Variation ID: 2738573). Invitae Evidence Modeling of protein sequence and biophysical properties (such as structural, functional, and spatial information, amino acid conservation, physicochemical variation, residue mobility, and thermodynamic stability) indicates that this missense variant is not expected to disrupt RYR2 protein function with a negative predictive value of 95%. In summary, the available evidence is currently insufficient to determine the role of this variant in disease. Therefore, it has been classified as a Variant of Uncertain Significance.